The following is an entry in ClinVar:

ClinVar aggregate classification (germline): Uncertain significance. Review status: criteria provided, multiple submitters, no conflicts (2 of 4 stars). 3 submissions from 3 submitters: Uncertain significance (3). Last evaluated 2024-03-27.

Allele frequency attached by ClinVar (database versions not stated): gnomAD exomes below 0.00001; TOPMed below 0.00001; ExAC 0.00001.
gnomAD v4.1: 1 of 1,612,342 alleles (0.000062%); highest among the groups gnomAD compares: Admixed American, 0.0017%; no homozygotes.

Submissions (3):

Mayo Clinic Laboratories, Mayo Clinic
Classification: Uncertain significance. Last evaluated: 2024-03-27. Review status: criteria provided, single submitter. Criteria: ACMG Guidelines, 2015. Collection method: clinical testing. Allele origin: germline. Observed: 1 variant allele.
Comment: BP4_strong

Labcorp Genetics (formerly Invitae), Labcorp
Classification: Uncertain significance. Last evaluated: 2023-07-13. Review status: criteria provided, single submitter. Criteria: Invitae Variant Classification Sherloc (09022015). Collection method: clinical testing. Allele origin: germline.
Comment: In summary, the available evidence is currently insufficient to determine the role of this variant in disease. Therefore, it has been classified as a Variant of Uncertain Significance. Algorithms developed to predict the effect of missense changes on protein structure and function output the following: SIFT: "Not Available"; PolyPhen-2: "Benign"; Align-GVGD: "Not Available". The histidine amino acid residue is found in multiple mammalian species, which suggests that this missense change does not adversely affect protein function. ClinVar contains an entry for this variant (Variation ID: 1929574). This variant has not been reported in the literature in individuals affected with MYLK3-related conditions. This variant is present in population databases (rs749586260, gnomAD 0.003%). This sequence change replaces tyrosine, which is neutral and polar, with histidine, which is basic and polar, at codon 804 of the MYLK3 protein (p.Tyr804His).

Ambry Genetics
Classification: Uncertain significance. Last evaluated: 2023-04-07. Review status: criteria provided, single submitter. Criteria: Ambry Variant Classification Scheme 2023. Collection method: clinical testing. Allele origin: germline.

NM_182493.3(MYLK3):c.2410T>C (p.Tyr804His)

Gene: MYLK3 (myosin light chain kinase 3; minus strand). Cytogenetic location: 16q11.2.
Variant type: single nucleotide variant.
Coding change: c.2410T>C on transcript NM_182493.3 (MANE Select); coding-DNA position 2410, T replaced by C.
Protein change: p.Tyr804His; replaces tyrosine 804 with histidine.
Molecular consequence: missense variant.
Genome position (GRCh38, 1-based): chr16:46,707,754, A>G on the plus strand (T>C on the coding strand, the complement: MYLK3 is on the minus strand). VCF-style: chr16-46707754-A-G. GRCh37 (hg19) VCF-style: chr16-46741666-A-G.
Other names: p.Tyr804His; c.2410T>C (NM_182493.2); c.1387T>C, p.Tyr463His (NM_001308301.1); short protein forms Y463H, Y804H.
Identifiers: ClinVar variation 1929574 (VCV001929574.8), dbSNP rs749586260, ClinGen allele CA8037597.